The following is an entry in ClinVar:

ClinVar aggregate classification (germline): Uncertain significance (1 of 4 stars; one submission).

Allele frequency attached by ClinVar (database versions not stated): gnomAD exomes below 0.00001; ExAC 0.00001.
gnomAD v4.1: 5 of 1,613,330 alleles (0.00031%); highest among the groups gnomAD compares: Middle Eastern, 0.033%; no homozygotes.

Submission:

GeneDx
Classification: Uncertain significance. Last evaluated: 2017-07-13. Review status: criteria provided, single submitter. Criteria: GeneDx Variant Classification (06012015). Collection method: clinical testing. Allele origin: germline. Affected: yes.
Comment: The K307E variant in the SNX14 gene has not been reported previously as a pathogenic variant, nor as a benign variant, to our knowledge. The K307E variant is not observed at a significant frequency in large population cohorts (Lek et al., 2016; 1000 Genomes Consortium et al., 2015; Exome Variant Server). The K307E variant is a non-conservative amino acid substitution, which is likely to impact secondary protein structure as these residues differ in polarity, charge, size and/or other properties. This substitution occurs at a position that is not conserved. In silico analysis is inconsistent in its predictions as to whether or not the variant is damaging to the protein structure/function. We interpret K307E as a variant of uncertain significance.

NM_153816.6(SNX14):c.919A>G (p.Lys307Glu)

Gene: SNX14 (sorting nexin 14; minus strand). Cytogenetic location: 6q14.3.
Variant type: single nucleotide variant.
Coding change: c.919A>G on transcript NM_153816.6 (MANE Select); coding-DNA position 919, A replaced by G.
Protein change: p.Lys307Glu; replaces lysine 307 with glutamic acid.
Molecular consequence: missense variant. On other transcripts: 5 prime UTR variant (7), non-coding transcript variant (6).
Genome position (GRCh38, 1-based): chr6:85,547,391, T>C on the plus strand (A>G on the coding strand, the complement: SNX14 is on the minus strand). VCF-style: chr6-85547391-T-C. GRCh37 (hg19) VCF-style: chr6-86257109-T-C.
Other names: c.919A>G, p.Lys307Glu (NM_001297614.3, NM_001350540.2, NM_001350541.2); c.763A>G, p.Lys255Glu (NM_001304479.2); c.982A>G, p.Lys328Glu (NM_001350532.2); c.916A>G, p.Lys306Glu (NM_001350533.2, NM_001350534.2, NM_001350535.2); c.787A>G, p.Lys263Glu (NM_001350536.2, NM_020468.6); c.784A>G, p.Lys262Glu (NM_001350537.2); c.775A>G, p.Lys259Glu (NM_001350538.2); c.760A>G, p.Lys254Glu (NM_001350539.2); and 7 more; short protein forms K307E, K159E, K210E, K211E, K259E, K263E, K254E, K255E.
Identifiers: ClinVar variation 450315 (VCV000450315.2), dbSNP rs761689424, ClinGen allele CA3912272.